The following is an entry in ClinVar:

ClinVar aggregate classification (germline): Pathogenic/Likely pathogenic. Review status: criteria provided, multiple submitters, no conflicts (2 of 4 stars). 4 submissions from 4 submitters: Pathogenic (1); Likely pathogenic (3). Last evaluated 2026-01-26.

Conditions:
Congenital myotonia, autosomal recessive form. Also called: BECKER DISEASE; Becker Generalized Myotonia; myotonia congenita, autosomal recessive. Identifiers: MONDO:0009715, OMIM 255700, Orphanet 614, MedGen C0751360.
Congenital myotonia, autosomal dominant form (THD). Also called: Myotonia congenita autosomal dominant; THOMSEN DISEASE. Identifiers: Orphanet 614, MedGen C2936781, MONDO:0008055, OMIM 160800.

Allele frequency attached by ClinVar (database versions not stated): gnomAD 0.00003.

Submissions (4):

Labcorp Genetics (formerly Invitae), Labcorp
Classification: Pathogenic for Congenital myotonia, autosomal recessive form; Congenital myotonia, autosomal dominant form. Last evaluated: 2026-01-26. Review status: criteria provided, single submitter. Criteria: Invitae Variant Classification Sherloc (09022015). Collection method: clinical testing. Allele origin: germline.
Comment: This sequence change replaces glycine, which is neutral and non-polar, with arginine, which is basic and polar, at codon 482 of the CLCN1 protein (p.Gly482Arg). This variant is present in population databases (no rsID available, gnomAD 0.007%). This missense change has been observed in individual(s) with autosomal recessive myotonia congenita (PMID: 8533761, 15311340, 22346025; internal data). ClinVar contains an entry for this variant (Variation ID: 570776). Invitae Evidence Modeling of protein sequence and biophysical properties (such as structural, functional, and spatial information, amino acid conservation, physicochemical variation, residue mobility, and thermodynamic stability) indicates that this missense variant is expected to disrupt CLCN1 protein function with a positive predictive value of 95%. For these reasons, this variant has been classified as Pathogenic.

GeneDx
Classification: Likely pathogenic. Last evaluated: 2025-07-05. Review status: criteria provided, single submitter. Criteria: GeneDx Variant Classification Process June 2021. Collection method: clinical testing. Allele origin: germline. Affected: yes.
Comment: Reported in two individuals with myotonia and/or myotonia-related symptoms; one individual harbored an additional CLCN1 variant (PMID: 32670189); Not observed at significant frequency in large population cohorts (gnomAD); In silico analysis supports that this missense variant has a deleterious effect on protein structure/function; This variant is associated with the following publications: (PMID: 32670189, 8533761, 25065301, 15311340)

Women's Health and Genetics/Laboratory Corporation of America, LabCorp
Classification: Likely pathogenic for Congenital myotonia, autosomal recessive form. Last evaluated: 2024-11-15. Review status: criteria provided, single submitter. Criteria: LabCorp Variant Classification Summary - May 2015. Collection method: clinical testing. Allele origin: germline.
Comment: Variant summary: CLCN1 c.1444G>C (p.Gly482Arg) results in a non-conservative amino acid change in the encoded protein sequence. Five of five in-silico tools predict a damaging effect of the variant on protein function. The variant was absent in 251486 control chromosomes. c.1444G>C has been reported in individuals affected with Myotonia congenita (e.g. Meyer_2020, Labcorp (formerly Invitae)). These data indicate that the variant may be associated with disease. Additionally, a different variant (c.1444G>A) resulting in the same amino acid change has been observed in patients and classified as pathogenic in ClinVar. At least one functional study has reported experimental evidence that the variant protein impairs channel function (e.g. Zhang_2000). The following publications have been ascertained in the context of this evaluation (PMID: 32670189, 21221019, 29606556, 10644771). ClinVar contains an entry for this variant (Variation ID: 570776). Based on the evidence outlined above, the variant was classified as likely pathogenic.

Athena Diagnostics
Classification: Likely pathogenic. Last evaluated: 2023-10-18. Review status: criteria provided, single submitter. Criteria: Athena Diagnostics Criteria. Collection method: clinical testing. Allele origin: unknown.
Comment: The frequency of this variant in the general population is consistent with pathogenicity. This variant results in the same amino acid change as another variant considered to be pathogenic, strongly indicating this variant may also cause disease. Assessment of experimental evidence suggests this variant results in abnormal protein function. (PMID: 17097617, 18035046)

Literature cited by the submitters: PubMed 8533761 (cited by Labcorp Genetics (formerly Invitae), Labcorp); PubMed 15311340 (cited by Labcorp Genetics (formerly Invitae), Labcorp); PubMed 22346025 (cited by Labcorp Genetics (formerly Invitae), Labcorp); PubMed 29606556 (cited by Women's Health and Genetics/Laboratory Corporation of America, LabCorp); PubMed 21221019 (cited by Women's Health and Genetics/Laboratory Corporation of America, LabCorp); PubMed 17097617 (cited by Women's Health and Genetics/Laboratory Corporation of America, LabCorp and Athena Diagnostics); PubMed 32670189 (cited by Women's Health and Genetics/Laboratory Corporation of America, LabCorp and Athena Diagnostics); PubMed 10644771 (cited by Women's Health and Genetics/Laboratory Corporation of America, LabCorp); PubMed 18035046 (cited by Athena Diagnostics); PubMed 25065301 (cited by Athena Diagnostics).

NM_000083.3(CLCN1):c.1444G>C (p.Gly482Arg)

Gene: CLCN1 (chloride voltage-gated channel 1; plus strand). Cytogenetic location: 7q34.
Variant type: single nucleotide variant.
Coding change: c.1444G>C on transcript NM_000083.3 (MANE Select); coding-DNA position 1444, G replaced by C.
Protein change: p.Gly482Arg; replaces glycine 482 with arginine.
Molecular consequence: missense variant. On other transcripts: non-coding transcript variant (1).
Genome position (GRCh38, 1-based): chr7:143,339,295, G>C. VCF-style: chr7-143339295-G-C. GRCh37 (hg19) VCF-style: chr7-143036388-G-C.
Other names: short protein forms G482R.
Identifiers: ClinVar variation 570776 (VCV000570776.13), dbSNP rs746125212, ClinGen allele CA369645380.